The following is an entry in ClinVar:

ClinVar aggregate classification (germline): Uncertain significance (1 of 4 stars; one submission).

Conditions:
Neuronal ceroid lipofuscinosis. Also called: Neuronal Ceroid Lipofuscinoses. Identifiers: Orphanet 216, Orphanet 79263, MedGen C0027877, MONDO:0016295. Disease mechanism: loss of function.

Allele frequency attached by ClinVar (database versions not stated): gnomAD exomes below 0.00001; ExAC 0.00001.
gnomAD v4.1: 2 of 1,613,632 alleles (0.00012%); highest among the groups gnomAD compares: Non-Finnish European, 0.00017%; no homozygotes.

Submission:

Labcorp Genetics (formerly Invitae), Labcorp
Classification: Uncertain significance for Neuronal ceroid lipofuscinosis. Last evaluated: 2022-07-06. Review status: criteria provided, single submitter. Criteria: Invitae Variant Classification Sherloc (09022015). Collection method: clinical testing. Allele origin: germline.
Comment: This sequence change replaces cysteine, which is neutral and slightly polar, with tyrosine, which is neutral and polar, at codon 153 of the CLN3 protein (p.Cys153Tyr). This variant is present in population databases (rs750813350, gnomAD 0.0009%). This variant has not been reported in the literature in individuals affected with CLN3-related conditions. ClinVar contains an entry for this variant (Variation ID: 853997). Algorithms developed to predict the effect of missense changes on protein structure and function are either unavailable or do not agree on the potential impact of this missense change (SIFT: "Tolerated"; PolyPhen-2: "Possibly Damaging"; Align-GVGD: "Class C0"). In summary, the available evidence is currently insufficient to determine the role of this variant in disease. Therefore, it has been classified as a Variant of Uncertain Significance.

NM_001042432.2(CLN3):c.458G>A (p.Cys153Tyr)

Gene: CLN3 (CLN3 lysosomal/endosomal transmembrane protein, battenin; minus strand). Cytogenetic location: 16p12.1.
Variant type: single nucleotide variant.
Coding change: c.458G>A on transcript NM_001042432.2 (MANE Select); coding-DNA position 458, G replaced by A.
Protein change: p.Cys153Tyr; replaces cysteine 153 with tyrosine.
Molecular consequence: missense variant.
Genome position (GRCh38, 1-based): chr16:28,487,458, C>T on the plus strand (G>A on the coding strand, the complement: CLN3 is on the minus strand). VCF-style: chr16-28487458-C-T. GRCh37 (hg19) VCF-style: chr16-28498779-C-T.
Other names: c.458G>A, p.Cys153Tyr (NM_000086.2); c.386G>A, p.Cys129Tyr (NM_001286104.2); c.158G>A, p.Cys53Tyr (NM_001286105.2); c.224G>A, p.Cys75Tyr (NM_001286109.2); c.296G>A, p.Cys99Tyr (NM_001286110.2); short protein forms C153Y, C53Y, C129Y, C99Y, C75Y.
Identifiers: ClinVar variation 853997 (VCV000853997.4), dbSNP rs750813350, ClinGen allele CA7980924.